The following is an entry in ClinVar:

NM_004329.3(BMPR1A):c.530+7A>G

Gene: BMPR1A (bone morphogenetic protein receptor type 1A; plus strand). Cytogenetic location: 10q23.2.
Variant type: single nucleotide variant.
Coding change: c.530+7A>G on transcript NM_004329.3 (MANE Select); 7 bases into the intron after coding-DNA position 530, A replaced by G.
Molecular consequence: intron variant.
Genome position (GRCh38, 1-based): chr10:86,900,133, A>G. VCF-style: chr10-86900133-A-G. GRCh37 (hg19) VCF-style: chr10-88659890-A-G.
Identifiers: ClinVar variation 416810 (VCV000416810.15), dbSNP rs1060504908, ClinGen allele CA16612887.

ClinVar aggregate classification (germline): Likely benign. Review status: criteria provided, multiple submitters, no conflicts (2 of 4 stars). 3 submissions from 3 submitters: Likely benign (3). Last evaluated 2025-04-16.

Conditions:
Juvenile polyposis syndrome (JPS). Identifiers: Orphanet 2929, MedGen C0345893, MONDO:0017380, OMIM 174900.

Allele frequency attached by ClinVar (database versions not stated): gnomAD exomes below 0.00001.
gnomAD v4.1: 2 of 1,612,740 alleles (0.00012%); highest among the groups gnomAD compares: Non-Finnish European, 0.00017%; no homozygotes.

Submissions (3):

Women's Health and Genetics/Laboratory Corporation of America, LabCorp
Classification: Likely benign. Last evaluated: 2025-04-16. Review status: criteria provided, single submitter. Criteria: LabCorp Variant Classification Summary - May 2015. Collection method: clinical testing. Allele origin: germline.

Myriad Genetics, Inc.
Classification: Likely benign for Juvenile polyposis syndrome. Last evaluated: 2024-08-01. Review status: criteria provided, single submitter. Criteria: Myriad Autosomal Dominant, Autosomal Recessive and X-Linked Classification Criteria (2023). Collection method: clinical testing. Allele origin: unknown.
Comment: This variant is considered likely benign. This variant is intronic and is not expected to impact mRNA splicing.

Labcorp Genetics (formerly Invitae), Labcorp
Classification: Likely benign for Juvenile polyposis syndrome. Last evaluated: 2023-12-01. Review status: criteria provided, single submitter. Criteria: Invitae Variant Classification Sherloc (09022015). Collection method: clinical testing. Allele origin: germline.